The following is an entry in ClinVar:

NM_021625.5(TRPV4):c.2334C>T (p.Phe778=)

Gene: TRPV4 (transient receptor potential cation channel subfamily V member 4; minus strand). Cytogenetic location: 12q24.11.
Variant type: single nucleotide variant.
Coding change: c.2334C>T on transcript NM_021625.5 (MANE Select); coding-DNA position 2334, C replaced by T.
Protein change: p.Phe778=; no amino-acid change (phenylalanine 778 retained).
Molecular consequence: synonymous variant.
Genome position (GRCh38, 1-based): chr12:109,786,712, G>A on the plus strand (C>T on the coding strand, the complement: TRPV4 is on the minus strand). VCF-style: chr12-109786712-G-A. GRCh37 (hg19) VCF-style: chr12-110224517-G-A.
Other names: c.2193C>T, p.Phe731= (NM_001177428.2); c.2232C>T, p.Phe744= (NM_001177431.2); c.2013C>T, p.Phe671= (NM_001177433.2); c.2154C>T, p.Phe718= (NM_147204.3).
Identifiers: ClinVar variation 1896161 (VCV001896161.5), dbSNP rs775053199, ClinGen allele CA6779962.

ClinVar aggregate classification (germline): Uncertain significance (1 of 4 stars; one submission).

Conditions:
Charcot-Marie-Tooth disease axonal type 2C (HMSN2C). Also called: CHARCOT-MARIE-TOOTH DISEASE, AXONAL, AUTOSOMAL DOMINANT, TYPE 2C; Charcot-Marie-Tooth Neuropathy Type 2C; Charcot-Marie-Tooth Disease Type 2, TRPV4-Related (CMT2C). Identifiers: Orphanet 99937, MedGen C1853710, MONDO:0011633, OMIM 606071.

Allele frequency attached by ClinVar (database versions not stated): ExAC 0.00001; gnomAD exomes 0.00003.
gnomAD v4.1: 37 of 1,613,746 alleles (0.0023%); highest among the groups gnomAD compares: Non-Finnish European, 0.0031%; no homozygotes.

Submission:

Labcorp Genetics (formerly Invitae), Labcorp
Classification: Uncertain significance for Charcot-Marie-Tooth disease axonal type 2C. Last evaluated: 2023-08-28. Review status: criteria provided, single submitter. Criteria: Invitae Variant Classification Sherloc (09022015). Collection method: clinical testing. Allele origin: germline.
Comment: In summary, the available evidence is currently insufficient to determine the role of this variant in disease. Therefore, it has been classified as a Variant of Uncertain Significance. Algorithms developed to predict the effect of sequence changes on RNA splicing suggest that this variant may create or strengthen a splice site. ClinVar contains an entry for this variant (Variation ID: 1896161). This variant has not been reported in the literature in individuals affected with TRPV4-related conditions. This variant is not present in population databases (gnomAD no frequency). This sequence change affects codon 778 of the TRPV4 mRNA. It is a 'silent' change, meaning that it does not change the encoded amino acid sequence of the TRPV4 protein.